The following is an entry in ClinVar:

NM_001854.4(COL11A1):c.3646G>A (p.Gly1216Ser)

Gene: COL11A1 (collagen type XI alpha 1 chain; minus strand). Cytogenetic location: 1p21.1.
Variant type: single nucleotide variant.
Coding change: c.3646G>A on transcript NM_001854.4 (MANE Select); coding-DNA position 3646, G replaced by A.
Protein change: p.Gly1216Ser; replaces glycine 1216 with serine.
Molecular consequence: missense variant. On other transcripts: non-coding transcript variant (1).
Genome position (GRCh38, 1-based): chr1:102,923,344, C>T on the plus strand (G>A on the coding strand, the complement: COL11A1 is on the minus strand). VCF-style: chr1-102923344-C-T. GRCh37 (hg19) VCF-style: chr1-103388900-C-T.
Other names: c.3529G>A, p.Gly1177Ser (NM_001190709.2); c.3682G>A, p.Gly1228Ser (NM_080629.3); c.3298G>A, p.Gly1100Ser (NM_080630.4); short protein forms G1100S, G1177S, G1228S, G1216S.
Identifiers: ClinVar variation 1390124 (VCV001390124.6), dbSNP rs2101086556, ClinGen allele CA341164484.

ClinVar aggregate classification (germline): Uncertain significance (1 of 4 stars; one submission).

Allele frequency attached by ClinVar (database versions not stated): gnomAD exomes below 0.00001.
gnomAD v4.1: 2 of 1,606,734 alleles (0.00012%); highest among the groups gnomAD compares: Non-Finnish European, 0.00017%; no homozygotes.

Submission:

Labcorp Genetics (formerly Invitae), Labcorp
Classification: Uncertain significance. Last evaluated: 2025-04-16. Review status: criteria provided, single submitter. Criteria: Invitae Variant Classification Sherloc (09022015). Collection method: clinical testing. Allele origin: germline.
Comment: This sequence change replaces glycine, which is neutral and non-polar, with serine, which is neutral and polar, at codon 1216 of the COL11A1 protein (p.Gly1216Ser). This variant is not present in population databases (gnomAD no frequency). This variant has not been reported in the literature in individuals affected with COL11A1-related conditions. ClinVar contains an entry for this variant (Variation ID: 1390124). Invitae Evidence Modeling of protein sequence and biophysical properties (such as structural, functional, and spatial information, amino acid conservation, physicochemical variation, residue mobility, and thermodynamic stability) indicates that this missense variant is expected to disrupt COL11A1 protein function with a positive predictive value of 80%. In summary, the available evidence is currently insufficient to determine the role of this variant in disease. Therefore, it has been classified as a Variant of Uncertain Significance.